The following is an entry in ClinVar:

NM_000158.4(GBE1):c.374A>G (p.Tyr125Cys)

Gene: GBE1 (1,4-alpha-glucan branching enzyme 1; minus strand). Cytogenetic location: 3p12.2.
Variant type: single nucleotide variant.
Coding change: c.374A>G on transcript NM_000158.4 (MANE Select); coding-DNA position 374, A replaced by G.
Protein change: p.Tyr125Cys; replaces tyrosine 125 with cysteine.
Molecular consequence: missense variant.
Genome position (GRCh38, 1-based): chr3:81,670,893, T>C on the plus strand (A>G on the coding strand, the complement: GBE1 is on the minus strand). VCF-style: chr3-81670893-T-C. GRCh37 (hg19) VCF-style: chr3-81720044-T-C.
Other names: short protein forms Y125C.
Identifiers: ClinVar variation 4794877 (VCV004794877.1).

ClinVar aggregate classification (germline): Uncertain significance (1 of 4 stars; one submission).

Conditions:
Glycogen storage disease IV, classic hepatic. Also called: GSD IV, CLASSIC HEPATIC. Identifiers: MedGen C1856301.
Glycogen storage disease, type IV (GSD4). Also called: GSD IV; Glycogen storage disease due to glycogen branching enzyme deficiency; AMYLOPECTINOSIS; ANDERSEN DISEASE; BRANCHER DEFICIENCY; CIRRHOSIS, FAMILIAL, WITH DEPOSITION OF ABNORMAL GLYCOGEN. Identifiers: Orphanet 367, MedGen C0017923, MONDO:0009292, OMIM 232500.

Submission:

Labcorp Genetics (formerly Invitae), Labcorp
Classification: Uncertain significance for Glycogen storage disease, type IV; Glycogen storage disease IV, classic hepatic. Last evaluated: 2025-07-30. Review status: criteria provided, single submitter. Criteria: Invitae Variant Classification Sherloc (09022015). Collection method: clinical testing. Allele origin: germline.
Comment: This sequence change replaces tyrosine, which is neutral and polar, with cysteine, which is neutral and slightly polar, at codon 125 of the GBE1 protein (p.Tyr125Cys). The frequency data for this variant in the population databases is considered unreliable, as metrics indicate poor data quality at this position in the gnomAD database. This variant has not been reported in the literature in individuals affected with GBE1-related conditions. Invitae Evidence Modeling of protein sequence and biophysical properties (such as structural, functional, and spatial information, amino acid conservation, physicochemical variation, residue mobility, and thermodynamic stability) indicates that this missense variant is not expected to disrupt GBE1 protein function with a negative predictive value of 95%. In summary, the available evidence is currently insufficient to determine the role of this variant in disease. Therefore, it has been classified as a Variant of Uncertain Significance.